The following is an entry in ClinVar:

NM_002838.5(PTPRC):c.2077C>T (p.Arg693Cys)

Gene: PTPRC (protein tyrosine phosphatase receptor type C; plus strand). Cytogenetic location: 1q32.1.
Variant type: single nucleotide variant.
Coding change: c.2077C>T on transcript NM_002838.5 (MANE Select); coding-DNA position 2077, C replaced by T.
Protein change: p.Arg693Cys; replaces arginine 693 with cysteine.
Molecular consequence: missense variant.
Genome position (GRCh38, 1-based): chr1:198,732,491, C>T. VCF-style: chr1-198732491-C-T. GRCh37 (hg19) VCF-style: chr1-198701620-C-T.
Other names: c.1594C>T, p.Arg532Cys (NM_080921.4); short protein forms R532C, R693C.
Identifiers: ClinVar variation 1346980 (VCV001346980.6), dbSNP rs1654440365, ClinGen allele CA344045816.

ClinVar aggregate classification (germline): Uncertain significance (1 of 4 stars; one submission).

Conditions:
Immunodeficiency 104. Also called: Severe combined immunodeficiency, autosomal recessive, T cell-negative, B cell-positive, NK cell-positive; SCID, AUTOSOMAL RECESSIVE, T CELL-NEGATIVE, B CELL-POSITIVE, NK CELL-POSITIVE; IMMUNODEFICIENCY 104, SEVERE COMBINED; Severe Combined Immune Deficiency, Autosomal Recessive, TCell -Negative, B Cell-Positive, NK Cell-Positive, IL7R-Related. Identifiers: MedGen C5676890, MONDO:0012163, OMIM 608971.

Allele frequency attached by ClinVar (database versions not stated): gnomAD 0.00001.
gnomAD v4.1: 2 of 1,610,342 alleles (0.00012%); highest among the groups gnomAD compares: Non-Finnish European, 0.00017%; no homozygotes.

Submission:

Labcorp Genetics (formerly Invitae), Labcorp
Classification: Uncertain significance for Immunodeficiency 104. Last evaluated: 2021-07-31. Review status: criteria provided, single submitter. Criteria: Invitae Variant Classification Sherloc (09022015). Collection method: clinical testing. Allele origin: germline.
Comment: In summary, the available evidence is currently insufficient to determine the role of this variant in disease. Therefore, it has been classified as a Variant of Uncertain Significance. Algorithms developed to predict the effect of missense changes on protein structure and function are either unavailable or do not agree on the potential impact of this missense change (SIFT: "Deleterious"; PolyPhen-2: "Probably Damaging"; Align-GVGD: "Class C0"). This variant has not been reported in the literature in individuals affected with PTPRC-related conditions. This variant is not present in population databases (ExAC no frequency). This sequence change replaces arginine with cysteine at codon 693 of the PTPRC protein (p.Arg693Cys). The arginine residue is highly conserved and there is a large physicochemical difference between arginine and cysteine.